The following is an entry in ClinVar:

ClinVar aggregate classification (germline): Uncertain significance (1 of 4 stars; one submission).

Allele frequency attached by ClinVar (database versions not stated): gnomAD exomes below 0.00001.
gnomAD v4.1: 2 of 1,613,808 alleles (0.00012%); highest among the groups gnomAD compares: Non-Finnish European, 0.00017%; no homozygotes.

Submission:

Labcorp Genetics (formerly Invitae), Labcorp
Classification: Uncertain significance. Last evaluated: 2020-11-14. Review status: criteria provided, single submitter. Criteria: Invitae Variant Classification Sherloc (09022015). Collection method: clinical testing. Allele origin: germline.
Comment: In summary, the available evidence is currently insufficient to determine the role of this variant in disease. Therefore, it has been classified as a Variant of Uncertain Significance. This sequence change replaces cysteine with glycine at codon 3370 of the USH2A protein (p.Cys3370Gly). The cysteine residue is highly conserved and there is a large physicochemical difference between cysteine and glycine. This variant is not present in population databases (ExAC no frequency). This variant has not been reported in the literature in individuals with USH2A-related conditions. Algorithms developed to predict the effect of missense changes on protein structure and function (SIFT, PolyPhen-2, Align-GVGD) all suggest that this variant is likely to be disruptive, but these predictions have not been confirmed by published functional studies and their clinical significance is uncertain.

NM_206933.4(USH2A):c.10108T>G (p.Cys3370Gly)

Gene: USH2A (usherin; minus strand). Cytogenetic location: 1q41.
Variant type: single nucleotide variant.
Coding change: c.10108T>G on transcript NM_206933.4 (MANE Select); coding-DNA position 10108, T replaced by G.
Protein change: p.Cys3370Gly; replaces cysteine 3370 with glycine.
Molecular consequence: missense variant.
Genome position (GRCh38, 1-based): chr1:215,790,133, A>C on the plus strand (T>G on the coding strand, the complement: USH2A is on the minus strand). VCF-style: chr1-215790133-A-C. GRCh37 (hg19) VCF-style: chr1-215963475-A-C.
Other names: short protein forms C3370G.
Identifiers: ClinVar variation 1490065 (VCV001490065.8), dbSNP rs1302364971, ClinGen allele CA344843728.